The following is an entry in ClinVar:

ClinVar aggregate classification (germline): Uncertain significance (1 of 4 stars; one submission).

Conditions:
Focal segmental glomerulosclerosis 5 (FSGS5). Identifiers: Orphanet 656, MedGen C2750475, MONDO:0013191, OMIM 613237.
Charcot-Marie-Tooth disease dominant intermediate E. Also called: CHARCOT-MARIE-TOOTH NEUROPATHY WITH FOCAL SEGMENTAL GLOMERULONEPHRITIS. Identifiers: Orphanet 93114, MedGen C4302667, MONDO:0013758, OMIM 614455.

Submission:

Labcorp Genetics (formerly Invitae), Labcorp
Classification: Uncertain significance for Charcot-Marie-Tooth disease dominant intermediate E; Focal segmental glomerulosclerosis 5. Last evaluated: 2024-07-22. Review status: criteria provided, single submitter. Criteria: Invitae Variant Classification Sherloc (09022015). Collection method: clinical testing. Allele origin: germline.
Comment: This sequence change creates a premature translational stop signal (p.Asp1236Ilefs*12) in the INF2 gene. While this is not anticipated to result in nonsense mediated decay, it is expected to disrupt the last 14 amino acid(s) of the INF2 protein. This variant is not present in population databases (gnomAD no frequency). This variant has not been reported in the literature in individuals affected with INF2-related conditions. Experimental studies and prediction algorithms are not available or were not evaluated, and the functional significance of this variant is currently unknown. In summary, the available evidence is currently insufficient to determine the role of this variant in disease. Therefore, it has been classified as a Variant of Uncertain Significance.

NM_022489.4(INF2):c.3705del (p.Asp1236fs)

Gene: INF2 (inverted formin 2; plus strand). Cytogenetic location: 14q32.33.
Variant type: Deletion.
Coding change: c.3705del on transcript NM_022489.4 (MANE Select); coding-DNA position 3705, one base deleted (T; older notation c.3705delT).
Protein change: p.Asp1236fs; shifts the reading frame from aspartic acid 1236.
Molecular consequence: frameshift variant. On other transcripts: non-coding transcript variant (1), intron variant (3).
Genome position (GRCh38, 1-based): chr14:104,715,294, T deleted. VCF-style (leftmost placement, unchanged base first): chr14-104715293-CT-C. GRCh37 (hg19) VCF-style: chr14-105181630-CT-C.
Other names: c.3705del, p.Asp1236fs (NM_001426863.1, NM_001426864.1); c.3694+438del (NM_001426865.1, NM_001426862.1, NM_001031714.4); short protein forms D1236fs.
Identifiers: ClinVar variation 3764018 (VCV003764018.2).